The following is an entry in ClinVar:

NM_001134363.3(RBM20):c.725C>T (p.Pro242Leu)

Gene: RBM20 (RNA binding motif protein 20; plus strand). Cytogenetic location: 10q25.2.
Variant type: single nucleotide variant.
Coding change: c.725C>T on transcript NM_001134363.3 (MANE Select); coding-DNA position 725, C replaced by T.
Protein change: p.Pro242Leu; replaces proline 242 with leucine.
Molecular consequence: missense variant.
Genome position (GRCh38, 1-based): chr10:110,781,334, C>T. VCF-style: chr10-110781334-C-T. GRCh37 (hg19) VCF-style: chr10-112541092-C-T.
Other names: short protein forms P242L.
Identifiers: ClinVar variation 4863062 (VCV004863062.1).

ClinVar aggregate classification (germline): Uncertain significance (1 of 4 stars; one submission).

Conditions:
Cardiovascular phenotype. Identifiers: MedGen CN230736.

Submission:

Ambry Genetics
Classification: Uncertain significance for Cardiovascular phenotype. Last evaluated: 2026-03-15. Review status: criteria provided, single submitter. Criteria: Ambry Variant Classification Scheme 2023. Collection method: clinical testing. Allele origin: germline.
Comment: The p.P242L variant (also known as c.725C>T), located in coding exon 2 of the RBM20 gene, results from a C to T substitution at nucleotide position 725. The proline at codon 242 is replaced by leucine, an amino acid with similar properties. This amino acid position is conserved. In addition, this alteration is predicted to be tolerated by in silico analysis. Based on the available evidence, the clinical significance of this variant remains unclear.